The following is an entry in ClinVar:

NM_001127222.2(CACNA1A):c.3525A>C (p.Pro1175=)

Gene: CACNA1A (calcium voltage-gated channel subunit alpha1 A; minus strand). Cytogenetic location: 19p13.13.
Variant type: single nucleotide variant.
Coding change: c.3525A>C on transcript NM_001127222.2 (MANE Select); coding-DNA position 3525, A replaced by C.
Protein change: p.Pro1175=; no amino-acid change (proline 1175 retained).
Molecular consequence: synonymous variant.
Genome position (GRCh38, 1-based): chr19:13,286,531, T>G on the plus strand (A>C on the coding strand, the complement: CACNA1A is on the minus strand). VCF-style: chr19-13286531-T-G. GRCh37 (hg19) VCF-style: chr19-13397345-T-G.
Other names: c.3537A>C, p.Pro1179= (NM_000068.4, NM_023035.3); c.3528A>C, p.Pro1176= (NM_001127221.2, NM_001174080.2); c.3525A>C (NM_001127222.1).
Identifiers: ClinVar variation 290394 (VCV000290394.17), dbSNP rs886044439, ClinGen allele CA10606760.
Genomic context (GRCh38, chr19:13,286,531, plus strand): 5'-CTGCCCAGTGATGTGAGAGCAGAGGGTCTCACCTTGTACGACGGTGTGGTTGAGGGGGGG[T>G]GGGCAGGCTGGGGGGATGTCCACTGTGGTGTGGTCGGGTTTCCTGGCAGTCTTAGCTGAA-3'
Protein context (NP_001120694.1, residues 1165-1185): HTTVDIPPAC[Pro1175=]PPLNHTVVQV

ClinVar aggregate classification (germline): Conflicting classifications of pathogenicity. Review status: criteria provided, conflicting classifications (1 of 4 stars). 3 submissions from 3 submitters: Uncertain significance (1); Likely benign (1). 1 of the submissions does not count toward it. Last evaluated 2024-02-23.

Conditions:
CACNA1A-related disorder. Also called: CACNA1A-related condition.
Developmental and epileptic encephalopathy, 42 (DEE42A). Also called: Epileptic encephalopathy, early infantile, 42; DEVELOPMENTAL AND EPILEPTIC ENCEPHALOPATHY 42A; EPILEPTIC ENCEPHALOPATHY, EARLY INFANTILE, 42A. Identifiers: MedGen C4310716, MONDO:0014917, OMIM 617106.
Episodic ataxia type 2 (EA2). Also called: ATAXIA, EPISODIC, WITH NYSTAGMUS; ATAXIA, FAMILIAL PAROXYSMAL; CEREBELLAR ATAXIA, PAROXYSMAL, ACETAZOLAMIDE-RESPONSIVE; CEREBELLOPATHY, HEREDITARY PAROXYSMAL; ACETAZOLAMIDE-RESPONSIVE HEREDITARY PAROXYSMAL CEREBELLAR ATAXIA; EPISODIC ATAXIA, NYSTAGMUS-ASSOCIATED. Identifiers: Orphanet 97, MedGen C1720416, MONDO:0007163, OMIM 108500.

Submissions (3):

Labcorp Genetics (formerly Invitae), Labcorp
Classification: Likely benign for Developmental and epileptic encephalopathy, 42; Episodic ataxia type 2. Last evaluated: 2024-02-23. Review status: criteria provided, single submitter. Criteria: Invitae Variant Classification Sherloc (09022015). Collection method: clinical testing. Allele origin: germline.

Eurofins Ntd Llc (ga)
Classification: Uncertain significance. Last evaluated: 2016-08-24. Review status: criteria provided, single submitter. Criteria: EGL Classification Definitions 2015. Collection method: clinical testing. Allele origin: germline. Observed: 1 variant allele, 1 heterozygote.

PreventionGenetics, part of Exact Sciences
Classification: Likely benign for CACNA1A-related condition. Last evaluated: 2021-11-05. Review status: no assertion criteria provided. Collection method: clinical testing. Allele origin: germline. Not counted in ClinVar's aggregate classification.
Comment: This variant is classified as likely benign based on ACMG/AMP sequence variant interpretation guidelines (Richards et al. 2015 PMID: 25741868, with internal and published modifications).